The following is an entry in ClinVar:

ClinVar aggregate classification (germline): Pathogenic. Review status: criteria provided, single submitter (1 of 4 stars). 2 submissions from 2 submitters: Pathogenic (1). 1 of the submissions does not count toward it. Last evaluated 2022-11-11.

Conditions:
Metaphyseal chondrodysplasia, Schmid type (MCDS). Also called: SPONDYLOMETAPHYSEAL DYSPLASIA, JAPANESE TYPE. Identifiers: Orphanet 174, MedGen C0265289, MONDO:0007983, OMIM 156500.

Submissions (2):

Labcorp Genetics (formerly Invitae), Labcorp
Classification: Pathogenic. Last evaluated: 2022-11-11. Review status: criteria provided, single submitter. Criteria: Invitae Variant Classification Sherloc (09022015). Collection method: clinical testing. Allele origin: germline.
Comment: This sequence change replaces tryptophan, which is neutral and slightly polar, with arginine, which is basic and polar, at codon 651 of the COL10A1 protein (p.Trp651Arg). This variant is not present in population databases (gnomAD no frequency). This missense change has been observed in individuals with metaphyseal chondrodysplasia, Schmid type (PMID: 8554571; Invitae). It has also been observed to segregate with disease in related individuals. ClinVar contains an entry for this variant (Variation ID: 17474). Advanced modeling of protein sequence and biophysical properties (such as structural, functional, and spatial information, amino acid conservation, physicochemical variation, residue mobility, and thermodynamic stability) performed at Invitae indicates that this missense variant is not expected to disrupt COL10A1 protein function. This variant disrupts the p.Trp651 amino acid residue in COL10A1. Other variant(s) that disrupt this residue have been determined to be pathogenic (PMID: 34423584). This suggests that this residue is clinically significant, and that variants that disrupt this residue are likely to be disease-causing. For these reasons, this variant has been classified as Pathogenic.

OMIM
Classification: Pathogenic for METAPHYSEAL CHONDRODYSPLASIA, SCHMID TYPE. Last evaluated: 1995-12-26. Review status: no assertion criteria provided. Collection method: literature only. Allele origin: germline. Not counted in ClinVar's aggregate classification.

Literature cited by the submitters: PubMed 8554571 (cited by Labcorp Genetics (formerly Invitae), Labcorp and OMIM); PubMed 34423584 (cited by Labcorp Genetics (formerly Invitae), Labcorp).

NM_000493.4(COL10A1):c.1951T>C (p.Trp651Arg)

Genes: COL10A1 (collagen type X alpha 1 chain; minus strand), NT5DC1 (5'-nucleotidase domain containing 1; plus strand). Cytogenetic location: 6q22.1.
Variant type: single nucleotide variant.
Coding change: c.1951T>C on transcript NM_000493.4 (MANE Select); coding-DNA position 1951, T replaced by C.
Protein change: p.Trp651Arg; replaces tryptophan 651 with arginine.
Molecular consequence: missense variant. On other transcripts: intron variant (1).
Genome position (GRCh38, 1-based): chr6:116,120,165, A>G on the plus strand (T>C on the coding strand, the complement: COL10A1 is on the minus strand). VCF-style: chr6-116120165-A-G. GRCh37 (hg19) VCF-style: chr6-116441328-A-G.
Other names: c.1951T>C, p.Trp651Arg (NM_001424106.1, NM_001424107.1); c.529+2220A>G (NM_152729.3); short protein forms W651R.
Identifiers: ClinVar variation 17474 (VCV000017474.10), dbSNP rs111033549, ClinGen allele CA127217.
Genomic context (GRCh38, chr6:116,120,165, plus strand): 5'-AGGAGTGGACATACTCAGAGGAGTATAGGCCATTTGACTCGGCATTGGGAAGCTGGAGCC[A>G]CACCTGGTCATTTTCTGTGAGATCGATGATGGCACTCCCTGAAGCCTGATCCAGGTAGCC-3'
Protein context (NP_000484.2, residues 641-661): IIDLTENDQV[Trp651Arg]LQLPNAESNG